The following is an entry in ClinVar:

NM_001267550.2(TTN):c.96971T>C (p.Val32324Ala)

Genes: TTN (titin; minus strand), TTN-AS1 (TTN antisense RNA 1; plus strand). Cytogenetic location: 2q31.2.
Variant type: single nucleotide variant.
Coding change: c.96971T>C on transcript NM_001267550.2 (MANE Select); coding-DNA position 96971, T replaced by C.
Protein change: p.Val32324Ala; replaces valine 32324 with alanine.
Molecular consequence: missense variant.
Genome position (GRCh38, 1-based): chr2:178,542,883, A>G on the plus strand (T>C on the coding strand, the complement: TTN is on the minus strand). VCF-style: chr2-178542883-A-G. GRCh37 (hg19) VCF-style: chr2-179407610-A-G.
Other names: c.92048T>C, p.Val30683Ala (NM_001256850.1); c.69776T>C, p.Val23259Ala (NM_003319.4); c.89267T>C, p.Val29756Ala (NM_133378.4); c.70151T>C, p.Val23384Ala (NM_133432.3); c.70352T>C, p.Val23451Ala (NM_133437.4); short protein forms V23259A, V23384A, V23451A, V29756A, V30683A, V32324A.
Identifiers: ClinVar variation 2651587 (VCV002651587.24), dbSNP rs760371027, ClinGen allele CA1986654.

ClinVar aggregate classification (germline): Uncertain significance (1 of 4 stars; one submission).

Allele frequency attached by ClinVar (database versions not stated): gnomAD 0.00001; gnomAD exomes 0.00002; TOPMed 0.00002; ExAC 0.00004.
gnomAD v4.1: 24 of 1,613,520 alleles (0.0015%); highest among the groups gnomAD compares: South Asian, 0.0022%; no homozygotes.

Submission:

CeGaT Center for Human Genetics Tuebingen
Classification: Uncertain significance. Last evaluated: 2023-07-01. Review status: criteria provided, single submitter. Criteria: CeGaT Center For Human Genetics Tuebingen Variant Classification Criteria Version 2. Collection method: clinical testing. Allele origin: germline. Affected: yes. Observed: 1 variant allele.
Comment: TTN: PM2, BP4